The following is an entry in ClinVar:

ClinVar aggregate classification (germline): Pathogenic (1 of 4 stars; one submission).

Submission:

Labcorp Genetics (formerly Invitae), Labcorp
Classification: Pathogenic. Last evaluated: 2025-02-20. Review status: criteria provided, single submitter. Criteria: Invitae Variant Classification Sherloc (09022015). Collection method: clinical testing. Allele origin: germline.
Comment: This sequence change creates a premature translational stop signal (p.Arg603Glyfs*31) in the TCF12 gene. It is expected to result in an absent or disrupted protein product. Loss-of-function variants in TCF12 are known to be pathogenic (PMID: 23354436, 32620954). This variant is not present in population databases (gnomAD no frequency). This variant has not been reported in the literature in individuals affected with TCF12-related conditions. For these reasons, this variant has been classified as Pathogenic.

Literature cited by the submitters: PubMed 23354436; PubMed 32620954.

NM_207037.2(TCF12):c.1805_1806dup (p.Arg603fs)

Gene: TCF12 (transcription factor 12; plus strand). Cytogenetic location: 15q21.3.
Variant type: Duplication.
Coding change: c.1805_1806dup on transcript NM_207037.2 (MANE Select); coding-DNA positions 1805 to 1806, 2 bases duplicated (GG; older notation c.1805_1806dupGG).
Protein change: p.Arg603fs; shifts the reading frame from arginine 603.
Molecular consequence: frameshift variant.
Genome position (GRCh38, 1-based): chr15:57,273,089-57,273,090, GG duplicated. VCF-style (leftmost placement, unchanged base first): chr15-57273088-A-AGG. GRCh37 (hg19) VCF-style: chr15-57565286-A-AGG.
Other names: c.1295_1296dup, p.Arg433fs (NM_001306219.3); c.1025_1026dup, p.Arg343fs (NM_001306220.3); c.1733_1734dup, p.Arg579fs (NM_001322165.2, NM_003205.4, NM_207038.2 and 1 more transcripts); c.1805_1806dup, p.Arg603fs (NM_207036.2, NM_001322151.2, NM_001322159.3 and 1 more transcripts); c.1223_1224dup, p.Arg409fs (NM_207040.2); c.1802_1803dup, p.Arg602fs (NM_001322152.2, NM_001322161.2); c.1148_1149dup, p.Arg384fs (NM_001322154.2); c.1631_1632dup, p.Arg545fs (NM_001322156.2); and 2 more; short protein forms R343fs, R409fs, R545fs, R579fs, R384fs, R591fs, R602fs, R603fs.
Identifiers: ClinVar variation 3723562 (VCV003723562.2).